The following is an entry in ClinVar:

ClinVar aggregate classification (germline): Conflicting classifications of pathogenicity. Review status: criteria provided, conflicting classifications (1 of 4 stars). 4 submissions from 4 submitters: Uncertain significance (1); Likely benign (2). 1 of the submissions does not count toward it. Last evaluated 2025-12-16.

Conditions:
COL6A3-related disorder. Also called: COL6A3-related condition; COL6A3-related disorders.
Bethlem myopathy 1A. Also called: MYOPATHY, BENIGN CONGENITAL, WITH CONTRACTURES; Bethlem myopathy 1; Bethlem Muscular Dystrophy. Identifiers: Orphanet 610, MedGen CN029274, MONDO:0024530, OMIM 158810.

Allele frequency attached by ClinVar (database versions not stated): ExAC 0.00002; TOPMed 0.00003; gnomAD 0.00005; gnomAD exomes 0.00005.
gnomAD v4.1: 65 of 1,614,094 alleles (0.004%); highest among the groups gnomAD compares: Middle Eastern, 0.033%; no homozygotes.

Submissions (4):

Labcorp Genetics (formerly Invitae), Labcorp
Classification: Likely benign for Bethlem myopathy 1A. Last evaluated: 2025-12-16. Review status: criteria provided, single submitter. Criteria: Invitae Variant Classification Sherloc (09022015). Collection method: clinical testing. Allele origin: germline.

GeneDx
Classification: Likely benign. Last evaluated: 2017-10-26. Review status: criteria provided, single submitter. Criteria: GeneDx Variant Classification (06012015). Collection method: clinical testing. Allele origin: germline. Affected: yes.
Comment: This variant is considered likely benign or benign based on one or more of the following criteria: it is a conservative change, it occurs at a poorly conserved position in the protein, it is predicted to be benign by multiple in silico algorithms, and/or has population frequency not consistent with disease.

Eurofins Ntd Llc (ga)
Classification: Uncertain significance. Last evaluated: 2017-08-25. Review status: criteria provided, single submitter. Criteria: EGL Classification Definitions 2015. Collection method: clinical testing. Allele origin: germline. Observed: 1 variant allele, 1 heterozygote.

PreventionGenetics, part of Exact Sciences
Classification: Likely benign for COL6A3-related condition. Last evaluated: 2022-10-04. Review status: no assertion criteria provided. Collection method: clinical testing. Allele origin: germline. Not counted in ClinVar's aggregate classification.
Comment: This variant is classified as likely benign based on ACMG/AMP sequence variant interpretation guidelines (Richards et al. 2015 PMID: 25741868, with internal and published modifications).

NM_004369.4(COL6A3):c.2994G>A (p.Ser998=)

Gene: COL6A3 (collagen type VI alpha 3 chain; minus strand). Cytogenetic location: 2q37.3.
Variant type: single nucleotide variant.
Coding change: c.2994G>A on transcript NM_004369.4 (MANE Select); coding-DNA position 2994, G replaced by A.
Protein change: p.Ser998=; no amino-acid change (serine 998 retained).
Molecular consequence: synonymous variant.
Genome position (GRCh38, 1-based): chr2:237,376,848, C>T on the plus strand (G>A on the coding strand, the complement: COL6A3 is on the minus strand). VCF-style: chr2-237376848-C-T. GRCh37 (hg19) VCF-style: chr2-238285491-C-T.
Other names: c.1773G>A, p.Ser591= (NM_057164.5); c.2376G>A, p.Ser792= (NM_057165.5, NM_057167.4); c.1173G>A, p.Ser391= (NM_057166.5).
Identifiers: ClinVar variation 513112 (VCV000513112.17), dbSNP rs768233315, ClinGen allele CA2189274.